The following is an entry in ClinVar:

ClinVar aggregate classification (germline): Uncertain significance (1 of 4 stars; one submission).

Conditions:
Parathyroid carcinoma (PRTC). Also called: CDC73-Related Parathyroid Carcinoma; Parathyroid gland carcinoma. Identifiers: Orphanet 143, MedGen C0687150, MONDO:0012004, OMIM 608266, HP:0006780.

Submission:

Labcorp Genetics (formerly Invitae), Labcorp
Classification: Uncertain significance for Parathyroid carcinoma. Last evaluated: 2024-07-29. Review status: criteria provided, single submitter. Criteria: Invitae Variant Classification Sherloc (09022015). Collection method: clinical testing. Allele origin: germline.
Comment: This sequence change replaces aspartic acid, which is acidic and polar, with glycine, which is neutral and non-polar, at codon 219 of the CDC73 protein (p.Asp219Gly). RNA analysis indicates that this missense change induces altered splicing and likely results in the loss of 25 amino acid residue(s), but is expected to preserve the integrity of the reading-frame. This variant is not present in population databases (gnomAD no frequency). This variant has not been reported in the literature in individuals affected with CDC73-related conditions. Advanced modeling of protein sequence and biophysical properties (such as structural, functional, and spatial information, amino acid conservation, physicochemical variation, residue mobility, and thermodynamic stability) performed at Invitae indicates that this missense variant is not expected to disrupt CDC73 protein function with a negative predictive value of 80%. Studies have shown that this missense change results in the activation of a cryptic splice site in exon 7 (Invitae). In summary, the available evidence is currently insufficient to determine the role of this variant in disease. Therefore, it has been classified as a Variant of Uncertain Significance.

NM_024529.5(CDC73):c.656A>G (p.Asp219Gly)

Gene: CDC73 (cell division cycle 73; plus strand). Cytogenetic location: 1q31.2.
Variant type: single nucleotide variant.
Coding change: c.656A>G on transcript NM_024529.5 (MANE Select); coding-DNA position 656, A replaced by G.
Protein change: p.Asp219Gly; replaces aspartic acid 219 with glycine.
Molecular consequence: missense variant.
Genome position (GRCh38, 1-based): chr1:193,141,993, A>G. VCF-style: chr1-193141993-A-G. GRCh37 (hg19) VCF-style: chr1-193111123-A-G.
Other names: short protein forms D219G.
Identifiers: ClinVar variation 3689306 (VCV003689306.2).
Genomic context (GRCh38, chr1:193,141,993, plus strand): 5'-CTGATCTAGATGATGACATAACTGCCCTTAAACAGAGGAGTTTTGTGGATGCTGAGGTAG[A>G]TGTGACCCGAGATATTGTCAGCAGAGAGAGAGTATGGAGGACACGAACAACTATCTTACA-3'
Protein context (NP_078805.3, residues 209-229): KQRSFVDAEV[Asp219Gly]VTRDIVSRER